The following is an entry in ClinVar:

ClinVar aggregate classification (germline): Uncertain significance (1 of 4 stars; one submission).

Conditions:
Left ventricular noncompaction 8 (LVNC8). Identifiers: Orphanet 154, Orphanet 54260, MedGen C3809288, MONDO:0014152, OMIM 615373.

Allele frequency attached by ClinVar (database versions not stated): gnomAD 0.00001; gnomAD exomes 0.00001.
gnomAD v4.1: 12 of 1,611,034 alleles (0.00074%); highest among the groups gnomAD compares: Middle Eastern, 0.018%; no homozygotes.

Submission:

Labcorp Genetics (formerly Invitae), Labcorp
Classification: Uncertain significance for Left ventricular noncompaction 8. Last evaluated: 2025-05-26. Review status: criteria provided, single submitter. Criteria: Invitae Variant Classification Sherloc (09022015). Collection method: clinical testing. Allele origin: germline.
Comment: This sequence change replaces threonine, which is neutral and polar, with proline, which is neutral and non-polar, at codon 952 of the PRDM16 protein (p.Thr952Pro). This variant is present in population databases (no rsID available, gnomAD 0.004%). This variant has not been reported in the literature in individuals affected with PRDM16-related conditions. ClinVar contains an entry for this variant (Variation ID: 2050969). An algorithm developed to predict the effect of missense changes on protein structure and function (PolyPhen-2) suggests that this variant is likely to be disruptive. In summary, the available evidence is currently insufficient to determine the role of this variant in disease. Therefore, it has been classified as a Variant of Uncertain Significance.

NM_022114.4(PRDM16):c.2854A>C (p.Thr952Pro)

Gene: PRDM16 (PR/SET domain 16; plus strand). Cytogenetic location: 1p36.32.
Variant type: single nucleotide variant.
Coding change: c.2854A>C on transcript NM_022114.4 (MANE Select); coding-DNA position 2854, A replaced by C.
Protein change: p.Thr952Pro; replaces threonine 952 with proline.
Molecular consequence: missense variant.
Genome position (GRCh38, 1-based): chr1:3,417,990, A>C. VCF-style: chr1-3417990-A-C. GRCh37 (hg19) VCF-style: chr1-3334554-A-C.
Other names: c.2854A>C, p.Thr952Pro (NM_199454.3); short protein forms T952P.
Identifiers: ClinVar variation 2050969 (VCV002050969.4), dbSNP rs1408159640, ClinGen allele CA338001643.